The following is an entry in ClinVar:

NM_000548.5(TSC2):c.709C>G (p.Pro237Ala)

Gene: TSC2 (TSC complex subunit 2; plus strand). Cytogenetic location: 16p13.3.
Variant type: single nucleotide variant.
Coding change: c.709C>G on transcript NM_000548.5 (MANE Select); coding-DNA position 709, C replaced by G.
Protein change: p.Pro237Ala; replaces proline 237 with alanine.
Molecular consequence: missense variant.
Genome position (GRCh38, 1-based): chr16:2,056,704, C>G. VCF-style: chr16-2056704-C-G. GRCh37 (hg19) VCF-style: chr16-2106705-C-G.
Other names: c.709C>G, p.Pro237Ala (NM_001077183.3, NM_001114382.3, NM_001363528.2 and 3 more transcripts); c.598C>G, p.Pro200Ala (NM_001318827.2); c.562C>G, p.Pro188Ala (NM_001318829.2); c.109C>G, p.Pro37Ala (NM_001318831.2); c.742C>G, p.Pro248Ala (NM_001318832.2); short protein forms P188A, P37A, P248A, P237A, P200A.
Identifiers: ClinVar variation 934777 (VCV000934777.12), dbSNP rs1555498859, ClinGen allele CA394312709.

ClinVar aggregate classification (germline): Uncertain significance. Review status: criteria provided, multiple submitters, no conflicts (2 of 4 stars). 2 submissions from 2 submitters: Uncertain significance (2). Last evaluated 2021-06-24.

Conditions:
Hereditary cancer-predisposing syndrome. Also called: Tumor predisposition; Hereditary neoplastic syndrome; Neoplastic Syndromes, Hereditary; Hereditary Cancer Syndrome. Identifiers: Orphanet 140162, MedGen C0027672, MeSH D009386, MONDO:0015356.
Tuberous sclerosis 2 (TSC2). Identifiers: Orphanet 805, MedGen C1860707, MONDO:0013199, OMIM 613254.

Submissions (2):

Labcorp Genetics (formerly Invitae), Labcorp
Classification: Uncertain significance for Tuberous sclerosis 2. Last evaluated: 2021-06-24. Review status: criteria provided, single submitter. Criteria: Invitae Variant Classification Sherloc (09022015). Collection method: clinical testing. Allele origin: germline.
Comment: In summary, the available evidence is currently insufficient to determine the role of this variant in disease. Therefore, it has been classified as a Variant of Uncertain Significance. Algorithms developed to predict the effect of missense changes on protein structure and function are either unavailable or do not agree on the potential impact of this missense change (SIFT: "Tolerated"; PolyPhen-2: "Possibly Damaging"; Align-GVGD: "Class C0"). This variant has not been reported in the literature in individuals with TSC2-related conditions. This variant is not present in population databases (ExAC no frequency). This sequence change replaces proline with alanine at codon 237 of the TSC2 protein (p.Pro237Ala). The proline residue is highly conserved and there is a small physicochemical difference between proline and alanine.

Ambry Genetics
Classification: Uncertain significance for Hereditary cancer-predisposing syndrome. Last evaluated: 2017-08-30. Review status: criteria provided, single submitter. Criteria: Ambry Variant Classification Scheme 2023. Collection method: clinical testing. Allele origin: germline.
Comment: The p.P237A variant (also known as c.709C>G), located in coding exon 7 of the TSC2 gene, results from a C to G substitution at nucleotide position 709. The proline at codon 237 is replaced by alanine, an amino acid with highly similar properties. This amino acid position is not well conserved in available vertebrate species. In addition, the in silico prediction for this alteration is inconclusive. Since supporting evidence is limited at this time, the clinical significance of this alteration remains unclear.